The following is an entry in ClinVar:

NM_152328.5(ADSS1):c.1105G>T (p.Val369Leu)

Gene: ADSS1 (adenylosuccinate synthase 1; plus strand). Cytogenetic location: 14q32.33.
Variant type: single nucleotide variant.
Coding change: c.1105G>T on transcript NM_152328.5 (MANE Select); coding-DNA position 1105, G replaced by T.
Protein change: p.Val369Leu; replaces valine 369 with leucine.
Molecular consequence: missense variant.
Genome position (GRCh38, 1-based): chr14:104,744,843, G>T. VCF-style: chr14-104744843-G-T. GRCh37 (hg19) VCF-style: chr14-105211180-G-T.
Other names: c.490G>T, p.Val164Leu (NM_001320424.1); c.1234G>T, p.Val412Leu (NM_199165.2); short protein forms V164L, V369L, V412L.
Identifiers: ClinVar variation 1682007 (VCV001682007.6), dbSNP rs759021404, ClinGen allele CA391244458.

ClinVar aggregate classification (germline): Uncertain significance (1 of 4 stars; one submission).

gnomAD v4.1: 1 of 1,614,206 alleles (0.000062%); highest among the groups gnomAD compares: South Asian, 0.0011%; no homozygotes.

Submission:

Labcorp Genetics (formerly Invitae), Labcorp
Classification: Uncertain significance. Last evaluated: 2021-12-01. Review status: criteria provided, single submitter. Criteria: Invitae Variant Classification Sherloc (09022015). Collection method: clinical testing. Allele origin: germline.
Comment: This sequence change replaces valine, which is neutral and non-polar, with leucine, which is neutral and non-polar, at codon 412 of the ADSSL1 protein (p.Val412Leu). This variant is not present in population databases (gnomAD no frequency). This variant has not been reported in the literature in individuals affected with ADSSL1-related conditions. Algorithms developed to predict the effect of missense changes on protein structure and function are either unavailable or do not agree on the potential impact of this missense change (SIFT: "Not Available"; PolyPhen-2: "Benign"; Align-GVGD: "Not Available"). In summary, the available evidence is currently insufficient to determine the role of this variant in disease. Therefore, it has been classified as a Variant of Uncertain Significance.